The following is an entry in ClinVar:

ClinVar aggregate classification (germline): Conflicting classifications of pathogenicity. Review status: criteria provided, conflicting classifications (1 of 4 stars). 3 submissions from 3 submitters: Uncertain significance (1); Benign (1); Likely benign (1). Last evaluated 2026-01-09.

Conditions:
Fraser syndrome 3. Identifiers: MedGen C4540040, MONDO:0054739, OMIM 617667.
GRIP1-related disorder. Also called: GRIP1-related condition.

Allele frequency attached by ClinVar (database versions not stated): gnomAD 0.00006 and 0.00011; gnomAD exomes 0.00006 and 0.00016; 1000 Genomes Project 30x 0.00016; ExAC 0.00018; TOPMed 0.00018; 1000 Genomes Project 0.00020.
gnomAD v4.1: 108 of 1,614,066 alleles (0.0067%); highest among the groups gnomAD compares: East Asian, 0.17%; 1 homozygote.

Submissions (3):

Labcorp Genetics (formerly Invitae), Labcorp
Classification: Benign. Last evaluated: 2026-01-09. Review status: criteria provided, single submitter. Criteria: Invitae Variant Classification Sherloc (09022015). Collection method: clinical testing. Allele origin: germline.

PreventionGenetics, part of Exact Sciences
Classification: Likely benign for GRIP1-related condition. Last evaluated: 2024-12-01. Review status: criteria provided, single submitter. Criteria: ACMG Guidelines, 2015. Collection method: clinical testing. Allele origin: germline.
Comment: This variant is classified as likely benign based on ACMG/AMP sequence variant interpretation guidelines (Richards et al. 2015 PMID: 25741868, with internal and published modifications).

Illumina Laboratory Services, Illumina
Classification: Uncertain significance for Fraser syndrome 3. Last evaluated: 2018-01-12. Review status: criteria provided, single submitter. Criteria: ICSL Variant Classification Criteria 13 December 2019. Collection method: clinical testing. Allele origin: germline.

NM_001366722.1(GRIP1):c.3222C>T (p.Ser1074=)

Gene: GRIP1 (glutamate receptor interacting protein 1; minus strand). Cytogenetic location: 12q14.3.
Variant type: single nucleotide variant.
Coding change: c.3222C>T on transcript NM_001366722.1 (MANE Select); coding-DNA position 3222, C replaced by T.
Protein change: p.Ser1074=; no amino-acid change (serine 1074 retained).
Molecular consequence: synonymous variant.
Genome position (GRCh38, 1-based): chr12:66,349,184, G>A on the plus strand (C>T on the coding strand, the complement: GRIP1 is on the minus strand). VCF-style: chr12-66349184-G-A. GRCh37 (hg19) VCF-style: chr12-66742964-G-A.
Other names: c.3021C>T, p.Ser1007= (NM_001178074.2); c.3141C>T, p.Ser1047= (NM_001366723.1); c.3144C>T, p.Ser1048= (NM_001366724.1); c.3066C>T, p.Ser1022= (NM_021150.4).
Identifiers: ClinVar variation 881656 (VCV000881656.8), dbSNP rs558365010, ClinGen allele CA6673896.